The following is an entry in ClinVar:

NM_017849.4(TMEM127):c.3G>A (p.Met1Ile)

Genes: TMEM127 (transmembrane protein 127; minus strand), LOC129934333 (ATAC-STARR-seq lymphoblastoid silent region 11759; plus strand). Cytogenetic location: 2q11.2.
Variant type: single nucleotide variant.
Coding change: c.3G>A on transcript NM_017849.4 (MANE Select); coding-DNA position 3, G replaced by A.
Protein change: p.Met1Ile; changes the start codon (methionine 1).
Molecular consequence: missense variant, initiator codon variant.
Genome position (GRCh38, 1-based): chr2:96,265,379, C>T on the plus strand (G>A on the coding strand, the complement: TMEM127 is on the minus strand). VCF-style: chr2-96265379-C-T. GRCh37 (hg19) VCF-style: chr2-96931117-C-T.
Other names: c.3G>A, p.Met1Ile (NM_001193304.3); short protein forms M1I.
Identifiers: ClinVar variation 532514 (VCV000532514.12), dbSNP rs121908814, ClinGen allele CA347656375.

ClinVar aggregate classification (germline): Pathogenic. Review status: criteria provided, multiple submitters, no conflicts (2 of 4 stars). 3 submissions from 3 submitters: Pathogenic (2). 1 of the submissions does not count toward it. Last evaluated 2022-12-06.

Conditions:
PHEOCHROMOCYTOMA/PARAGANGLIOMA SYNDROME 8 (PPGL8). Identifiers: MedGen CN382246, OMIM 621687.
Hereditary pheochromocytoma and paraganglioma. Also called: Hereditary pheochromocytoma-paraganglioma; Hereditary Paraganglioma-Pheochromocytoma Syndromes; Hereditary paragangliomas and pheochromocytomas. Identifiers: Orphanet 29072, MedGen C4274332, MONDO:0017366.
Hereditary cancer-predisposing syndrome. Also called: Neoplastic Syndromes, Hereditary; Hereditary Cancer Syndrome; Tumor predisposition; Hereditary neoplastic syndrome. Identifiers: Orphanet 140162, MedGen C0027672, MeSH D009386, MONDO:0015356.

Allele frequency attached by ClinVar (database versions not stated): TOPMed below 0.00001; gnomAD 0.00001.

Submissions (3):

Ambry Genetics
Classification: Pathogenic for Hereditary cancer-predisposing syndrome. Last evaluated: 2022-12-06. Review status: criteria provided, single submitter. Criteria: Ambry Variant Classification Scheme 2023. Collection method: clinical testing. Allele origin: germline.
Comment: The p.M1? pathogenic mutation (also known as c.3G>A) is located in coding exon 1 of the TMEM127 gene and results from a G to A substitution at nucleotide position 3. This alters the methionine residue at the initiation codon (ATG). This mutation has been reported in multiple individuals with pheochromocytomas (PCC) (Bausch B et al. JAMA Oncol. 2017 Sep;3(9):1204-1212). This variant is considered to be rare based on population cohorts in the Genome Aggregation Database (gnomAD). In addition to the clinical data presented in the literature, sequence variations that modify the initiation codon are expected to result in either loss of translation initiation, N-terminal truncation, or cause a shift in the mRNA reading frame. Based on the supporting evidence, this alteration is interpreted as a disease-causing mutation.

Labcorp Genetics (formerly Invitae), Labcorp
Classification: Pathogenic for Hereditary pheochromocytoma and paraganglioma. Last evaluated: 2022-02-25. Review status: criteria provided, single submitter. Criteria: Invitae Variant Classification Sherloc (09022015). Collection method: clinical testing. Allele origin: germline.
Comment: For these reasons, this variant has been classified as Pathogenic. Experimental studies have shown that disruption of the initiator codon affects TMEM127 function (PMID: 21156949). Algorithms developed to predict the effect of variants on protein structure and function are not available or were not evaluated for this variant. ClinVar contains an entry for this variant (Variation ID: 532514). Disruption of the initiator codon has been observed in individuals with paraganglioma-pheochromocytoma syndrome (PMID: 28384794, 29282712; Invitae). This variant is not present in population databases (gnomAD no frequency). This sequence change affects the initiator methionine of the TMEM127 mRNA. The next in-frame methionine is located at codon 85.

OMIM
Classification: Pathogenic for PHEOCHROMOCYTOMA/PARAGANGLIOMA SYNDROME 8. Last evaluated: 2026-09-02. Review status: no assertion criteria provided. Collection method: literature only. Allele origin: germline. Not counted in ClinVar's aggregate classification.

Literature cited by the submitters: PubMed 28384794 (cited by 3 submitters); PubMed 29282712 (cited by Ambry Genetics and Labcorp Genetics (formerly Invitae), Labcorp); PubMed 21156949 (cited by Labcorp Genetics (formerly Invitae), Labcorp).